The following is an entry in ClinVar:

ClinVar aggregate classification (germline): Pathogenic/Likely pathogenic. Review status: criteria provided, multiple submitters, no conflicts (2 of 4 stars). 4 submissions from 4 submitters: Pathogenic (3); Likely pathogenic (1). Last evaluated 2025-09-30.

Conditions:
Primary ciliary dyskinesia. Also called: Ciliary dyskinesia. Identifiers: Orphanet 244, MedGen C0008780, MONDO:0016575, HP:0012265.
Primary ciliary dyskinesia 23 (CILD23). Also called: CILIARY DYSKINESIA, PRIMARY, 23, WITH OR WITHOUT SITUS INVERSUS. Identifiers: Orphanet 244, MedGen C3809548, MONDO:0014193, OMIM 615451.

Allele frequency attached by ClinVar (database versions not stated): ESP Exome Variant Server 0.00015; 1000 Genomes Project 30x 0.00047; 1000 Genomes Project 0.00060; gnomAD exomes below 0.00001 and 0.00003; ExAC 0.00003; TOPMed 0.00008; gnomAD 0.00011.
gnomAD v4.1: 21 of 1,588,896 alleles (0.0013%); highest among the groups gnomAD compares: African/African-American, 0.027%; no homozygotes.

Submissions (4):

3billion
Classification: Pathogenic for Primary ciliary dyskinesia 23. Last evaluated: 2025-09-30. Review status: criteria provided, single submitter. Criteria: ACMG Guidelines, 2015. Collection method: clinical testing. Allele origin: germline. Affected: yes.
Comment: The variant is observed at an extremely low frequency in the gnomAD v4.1.0 dataset (total allele frequency: 0.001%). Predicted Consequence/Location: Canonical splice site: predicted to alter splicing and result in a loss or disruption of normal protein function. Multiple pathogenic loss-of-function variants are reported downstream of the variant. In silico tools predict the variant to alter splicing and produce an abnormal transcript [SpliceAI: 0.99 (spliceogenicity >=0.2, non-spliceogenicity <0.1)]. The variant has been reported at least twice as pathogenic with clinical assertions and evidence for the classification (ClinVar ID: VCV000654954). Therefore, this variant is classified as Pathogenic according to the recommendation of ACMG/AMP guideline.

Ambry Genetics
Classification: Likely pathogenic for Primary ciliary dyskinesia. Last evaluated: 2025-07-23. Review status: criteria provided, single submitter. Criteria: Ambry Variant Classification Scheme 2023. Collection method: clinical testing. Allele origin: germline.
Comment: The c.2097+1G>T intronic variant results from a G to T substitution one nucleotide after coding exon 13 of the ARMC4 gene. Alterations that disrupt the canonical splice site are expected to result in aberrant splicing. In silico splice site analysis predicts that this alteration will weaken the native splice donor site. A resulting transcript is predicted to be in-frame and is not expected to trigger nonsense-mediated mRNAdecay; although, direct evidence is unavailable. This variant has been identified in the homozygous state and/or in conjunction with other ARMC4 variant(s) in individual(s) with features consistent with primary ciliary dyskinesia (PCD); in at least one instance, the variants were identified in trans (external communication; Ambry internal data). Other variant(s) impacting the same donor site (c.2097+1G>A) have been identified in individual(s) with features consistent with PCD (external communication; Ambry internal data). This nucleotide position is highly conserved in available vertebrate species. Based on the majority of available evidence to date, this variant is likely to be pathogenic.

Labcorp Genetics (formerly Invitae), Labcorp
Classification: Pathogenic for Primary ciliary dyskinesia 23. Last evaluated: 2025-07-01. Review status: criteria provided, single submitter. Criteria: Invitae Variant Classification Sherloc (09022015). Collection method: clinical testing. Allele origin: germline.
Comment: This sequence change affects a donor splice site in intron 14 of the ARMC4 gene. It is expected to disrupt RNA splicing. Variants that disrupt the donor or acceptor splice site typically lead to a loss of protein function (PMID: 16199547), and loss-of-function variants in ARMC4 are known to be pathogenic (PMID: 23849778). This variant is present in population databases (rs149368374, gnomAD 0.04%). Disruption of this splice site has been observed in individual(s) with clinical features of primary ciliary dyskinesia (internal data). In at least one individual the data is consistent with being in trans (on the opposite chromosome) from a pathogenic variant. It has also been observed to segregate with disease in related individuals. ClinVar contains an entry for this variant (Variation ID: 654954). Algorithms developed to predict the effect of sequence changes on RNA splicing suggest that this variant may disrupt the consensus splice site. For these reasons, this variant has been classified as Pathogenic.

Biology Pathology Center, Lille University Hospital
Classification: Pathogenic for Primary ciliary dyskinesia 23. Review status: criteria provided, single submitter. Criteria: ACMG Guidelines, 2015. Collection method: clinical testing. Allele origin: germline. Inheritance: Autosomal recessive inheritance. Affected: yes. Observed: 1 homozygote.

Literature cited by the submitters: PubMed 16199547 (cited by Labcorp Genetics (formerly Invitae), Labcorp); PubMed 23849778 (cited by Labcorp Genetics (formerly Invitae), Labcorp).

NM_018076.5(ODAD2):c.2097+1G>T

Gene: ODAD2 (outer dynein arm docking complex subunit 2; minus strand). Cytogenetic location: 10p12.1.
Variant type: single nucleotide variant.
Coding change: c.2097+1G>T on transcript NM_018076.5 (MANE Select); the canonical splice donor site of the intron after coding-DNA position 2097, G replaced by T.
Molecular consequence: splice donor variant.
Genome position (GRCh38, 1-based): chr10:27,939,896, C>A on the plus strand (G>T on the coding strand, the complement: ODAD2 is on the minus strand). VCF-style: chr10-27939896-C-A. GRCh37 (hg19) VCF-style: chr10-28228825-C-A.
Other names: c.2097+1G>T (NM_001290020.2); c.1173+1G>T (NM_001312689.2); c.672+1G>T (NM_001290021.2).
Identifiers: ClinVar variation 654954 (VCV000654954.13), dbSNP rs149368374, ClinGen allele CA5453313.